The following is an entry in ClinVar:

NC_000010.10:g.(?_112579810)_(112595756_?)dup

Gene: RBM20 (RNA binding motif protein 20; plus strand). Cytogenetic location: 10q25.2.
Variant type: Duplication.
Identifiers: ClinVar variation 470583 (VCV000470583.3).

ClinVar aggregate classification (germline): Uncertain significance (1 of 4 stars; one submission).

Conditions:
Dilated cardiomyopathy 1DD (CMD1DD). Identifiers: Orphanet 154, MedGen C2750995, MONDO:0013168, OMIM 613172.

Submission:

Labcorp Genetics (formerly Invitae), Labcorp
Classification: Uncertain significance for Dilated cardiomyopathy 1DD. Last evaluated: 2019-08-23. Review status: criteria provided, single submitter. Criteria: Invitae Variant Classification Sherloc (09022015). Collection method: clinical testing. Allele origin: germline.
Comment: This variant results in a copy number gain of the genomic region encompassing exons 10-14 of the RBM20 gene. The 5' boundary is likely confined to intron 9. The 3' end of this event is unknown as it extends beyond the assayed region for this gene and therefore may encompass additional genes. As the precise location of this event is unknown, it may be in tandem or it may be located elsewhere in the genome. This variant has not been reported in the literature in individuals with RBM20-related disease. The current clinical and genetic evidence is not sufficient to establish whether loss-of-function variants in RBM20 cause disease. In summary, the available evidence is currently insufficient to determine the role of this variant in disease. Therefore, it has been classified as a Variant of Uncertain Significance.